The following is an entry in ClinVar:

NM_017841.4(SDHAF2):c.31T>C (p.Ser11Pro)

Gene: SDHAF2 (succinate dehydrogenase complex assembly factor 2; plus strand). Cytogenetic location: 11q12.2.
Variant type: single nucleotide variant.
Coding change: c.31T>C on transcript NM_017841.4 (MANE Select); coding-DNA position 31, T replaced by C.
Protein change: p.Ser11Pro; replaces serine 11 with proline.
Molecular consequence: missense variant.
Genome position (GRCh38, 1-based): chr11:61,430,177, T>C. VCF-style: chr11-61430177-T-C. GRCh37 (hg19) VCF-style: chr11-61197649-T-C.
Other names: short protein forms S11P.
Identifiers: ClinVar variation 5029221 (VCV005029221.1).

ClinVar aggregate classification (germline): Uncertain significance (1 of 4 stars; one submission).

Conditions:
Hereditary cancer-predisposing syndrome. Also called: Neoplastic Syndromes, Hereditary; Tumor predisposition; Hereditary neoplastic syndrome; Hereditary Cancer Syndrome. Identifiers: Orphanet 140162, MedGen C0027672, MeSH D009386, MONDO:0015356.

gnomAD v4.1: 2 of 1,614,194 alleles (0.00012%); highest among the groups gnomAD compares: Non-Finnish European, 0.00017%; no homozygotes.

Submission:

Ambry Genetics
Classification: Uncertain significance for Hereditary cancer-predisposing syndrome. Last evaluated: 2026-07-02. Review status: criteria provided, single submitter. Criteria: Ambry Variant Classification Scheme 2023. Collection method: clinical testing. Allele origin: germline.
Comment: The p.S11P variant (also known as c.31T>C), located in coding exon 1 of the SDHAF2 gene, results from a T to C substitution at nucleotide position 31. The serine at codon 11 is replaced by proline, an amino acid with similar properties. This amino acid position is conserved. In addition, this alteration is predicted to be tolerated by in silico analysis. Based on the available evidence, the clinical significance of this variant remains unclear.